The following is an entry in ClinVar:

NM_138694.4(PKHD1):c.6777C>G (p.Phe2259Leu)

Gene: PKHD1 (PKHD1 ciliary IPT domain containing fibrocystin/polyductin; minus strand). Cytogenetic location: 6p12.2.
Variant type: single nucleotide variant.
Coding change: c.6777C>G on transcript NM_138694.4 (MANE Select); coding-DNA position 6777, C replaced by G.
Protein change: p.Phe2259Leu; replaces phenylalanine 2259 with leucine.
Molecular consequence: missense variant.
Genome position (GRCh38, 1-based): chr6:51,906,246, G>C on the plus strand (C>G on the coding strand, the complement: PKHD1 is on the minus strand). VCF-style: chr6-51906246-G-C. GRCh37 (hg19) VCF-style: chr6-51771044-G-C.
Other names: c.6777C>G, p.Phe2259Leu (NM_170724.3); short protein forms F2259L.
Identifiers: ClinVar variation 1714419 (VCV001714419.6), dbSNP rs140065359, ClinGen allele CA364432486.

ClinVar aggregate classification (germline): Uncertain significance (1 of 4 stars; one submission).

Conditions:
Autosomal recessive polycystic kidney disease (ARPKD). Also called: AR polycystic kidney disease. Identifiers: Orphanet 731, Orphanet 8378, MedGen C0085548, MeSH D017044, MONDO:0009889.

Submission:

Labcorp Genetics (formerly Invitae), Labcorp
Classification: Uncertain significance for Autosomal recessive polycystic kidney disease. Last evaluated: 2022-11-22. Review status: criteria provided, single submitter. Criteria: Invitae Variant Classification Sherloc (09022015). Collection method: clinical testing. Allele origin: germline.
Comment: Advanced modeling of protein sequence and biophysical properties (such as structural, functional, and spatial information, amino acid conservation, physicochemical variation, residue mobility, and thermodynamic stability) performed at Invitae indicates that this missense variant is not expected to disrupt PKHD1 protein function. In summary, the available evidence is currently insufficient to determine the role of this variant in disease. Therefore, it has been classified as a Variant of Uncertain Significance. This variant has not been reported in the literature in individuals affected with PKHD1-related conditions. This variant is not present in population databases (gnomAD no frequency). This sequence change replaces phenylalanine, which is neutral and non-polar, with leucine, which is neutral and non-polar, at codon 2259 of the PKHD1 protein (p.Phe2259Leu).